The following is an entry in ClinVar:

ClinVar aggregate classification (germline): Pathogenic/Likely pathogenic. Review status: criteria provided, multiple submitters, no conflicts (2 of 4 stars). 2 submissions from 2 submitters: Pathogenic (1); Likely pathogenic (1). Last evaluated 2024-03-28.

Conditions:
Niemann-Pick disease, type A. Also called: SPHINGOMYELIN LIPIDOSIS; SPHINGOMYELINASE DEFICIENCY; Infantile Neurovisceral ASMD (Niemann-Pick Disease Type A; NPD-A). Identifiers: Orphanet 77292, MedGen C0268242, MONDO:0009756, OMIM 257200. Disease mechanism: loss of function.
Niemann-Pick disease, type B. Also called: Chronic Visceral ASMD (Niemann-Pick Disease Type B; NPD-B). Identifiers: Orphanet 77293, MedGen C0268243, MONDO:0011871, OMIM 607616. Disease mechanism: loss of function.

Submissions (2):

Fulgent Genetics
Classification: Pathogenic for Niemann-Pick disease, type A; Niemann-Pick disease, type B. Last evaluated: 2024-03-28. Review status: criteria provided, single submitter. Criteria: ACMG Guidelines, 2015. Collection method: clinical testing. Allele origin: germline.

Neuberg Centre For Genomic Medicine, NCGM
Classification: Likely pathogenic for Niemann-Pick disease, type B. Review status: criteria provided, single submitter. Criteria: ACMG Guidelines, 2015. Collection method: clinical testing. Allele origin: germline. Affected: yes.
Comment: The c.647del variant in the SMPD1 gene has not been reported previously as a pathogenic variant nor as a benign variant, to our knowledge. This variant causes a frameshift starting with codon Leucine 216, changes this amino acid to Arginine residue, and creates a premature Stop codon at position 41 of the new reading frame, denoted p.Leu216ArgfsTer41. The p.Leu216ArgfsTer41 variant is novel (not in any individuals) in gnomAD Exomes and 1000 Genomes. Null variant (frame-shift), in gene SMPD1 for which loss-of-function is a known mechanism of disease. For these reasons, this variant has been classified as Likely Pathogenic.

NM_000543.5(SMPD1):c.647del (p.Leu216fs)

Gene: SMPD1 (sphingomyelin phosphodiesterase 1; plus strand). Cytogenetic location: 11p15.4.
Variant type: Deletion.
Coding change: c.647del on transcript NM_000543.5 (MANE Select); coding-DNA position 647, one base deleted (T; older notation c.647delT).
Protein change: p.Leu216fs; shifts the reading frame from leucine 216.
Molecular consequence: frameshift variant. On other transcripts: 5 prime UTR variant (1), non-coding transcript variant (1).
Genome position (GRCh38, 1-based): chr11:6,391,712, T deleted. VCF-style (leftmost placement, unchanged base first): chr11-6391711-CT-C. GRCh37 (hg19) VCF-style: chr11-6412941-CT-C.
Other names: c.644del, p.Leu215fs (NM_001007593.3); c.647del, p.Leu216fs (NM_001318087.2, NM_001365135.2); c.-315del (NM_001318088.2); short protein forms L215fs, L216fs.
Identifiers: ClinVar variation 1878550 (VCV001878550.2), dbSNP rs2493805504, ClinGen allele CA2580083976.